The following is an entry in ClinVar:

ClinVar aggregate classification (germline): Uncertain significance (1 of 4 stars; one submission).

Submission:

Mayo Clinic Laboratories, Mayo Clinic
Classification: Uncertain significance. Last evaluated: 2022-07-01. Review status: criteria provided, single submitter. Criteria: ACMG Guidelines, 2015. Collection method: clinical testing. Allele origin: germline. Observed: 1 variant allele.
Comment: PM2

NM_000081.4(LYST):c.6955C>T (p.Pro2319Ser)

Gene: LYST (lysosomal trafficking regulator; minus strand). Cytogenetic location: 1q42.3.
Variant type: single nucleotide variant.
Coding change: c.6955C>T on transcript NM_000081.4 (MANE Select); coding-DNA position 6955, C replaced by T.
Protein change: p.Pro2319Ser; replaces proline 2319 with serine.
Molecular consequence: missense variant.
Genome position (GRCh38, 1-based): chr1:235,757,385, G>A on the plus strand (C>T on the coding strand, the complement: LYST is on the minus strand). VCF-style: chr1-235757385-G-A. GRCh37 (hg19) VCF-style: chr1-235920685-G-A.
Other names: p.Pro2319Ser; c.6955C>T, p.Pro2319Ser (NM_001301365.1); short protein forms P2319S.
Identifiers: ClinVar variation 2682723 (VCV002682723.1), dbSNP rs767977915, ClinGen allele CA344936752.
Genomic context (GRCh38, chr1:235,757,385, plus strand): 5'-GGACCAAAAGTGTATCTGCTTGAATAAGCTTGTCCATCACATCTTCAAGCAAAACATCAG[G>A]CAGGATAAGAAGAACCCCACTTAGGAGTTCATATAATCCACAGCATATAGGTACCAAACA-3'
Protein context (NP_000072.2, residues 2309-2329): ELLSGVLLIL[Pro2319Ser]DVLLEDVMDK